The following is an entry in ClinVar:

NM_018389.5(SLC35C1):c.879G>A (p.Pro293=)

Gene: SLC35C1 (solute carrier family 35 member C1; plus strand). Cytogenetic location: 11p11.2.
Variant type: single nucleotide variant.
Coding change: c.879G>A on transcript NM_018389.5 (MANE Select); coding-DNA position 879, G replaced by A.
Protein change: p.Pro293=; no amino-acid change (proline 293 retained).
Molecular consequence: synonymous variant.
Genome position (GRCh38, 1-based): chr11:45,811,119, G>A. VCF-style: chr11-45811119-G-A. GRCh37 (hg19) VCF-style: chr11-45832670-G-A.
Other names: c.840G>A, p.Pro280= (NM_001145265.2, NM_001145266.2).
Identifiers: ClinVar variation 515223 (VCV000515223.11), dbSNP rs573349525, ClinGen allele CA5958350.

ClinVar aggregate classification (germline): Likely benign. Review status: criteria provided, multiple submitters, no conflicts (2 of 4 stars). 2 submissions from 2 submitters: Likely benign (2). Last evaluated 2025-11-27.

Conditions:
Leukocyte adhesion deficiency type II. Also called: CONGENITAL DISORDER OF GLYCOSYLATION, TYPE IIc; CDG IIc; Congenital disorder of glycosylation type 2C; CDG 2C; Leukocyte adhesion deficiency type 2; Rambam Hasharon syndrome. Identifiers: Orphanet 2968, Orphanet 99843, MedGen C0398739, MONDO:0009953, OMIM 266265.

Allele frequency attached by ClinVar (database versions not stated): 1000 Genomes Project 0.00020; gnomAD 0.00006 and 0.00009; TOPMed 0.00007; ExAC 0.00015; 1000 Genomes Project 30x 0.00016; gnomAD exomes 0.00016 and 0.00018.
gnomAD v4.1: 273 of 1,613,134 alleles (0.017%); highest among the groups gnomAD compares: South Asian, 0.094%; 1 homozygote.

Submissions (2):

Labcorp Genetics (formerly Invitae), Labcorp
Classification: Likely benign for Leukocyte adhesion deficiency type II. Last evaluated: 2025-11-27. Review status: criteria provided, single submitter. Criteria: Invitae Variant Classification Sherloc (09022015). Collection method: clinical testing. Allele origin: germline.

GeneDx
Classification: Likely benign. Last evaluated: 2018-02-09. Review status: criteria provided, single submitter. Criteria: GeneDx Variant Classification (06012015). Collection method: clinical testing. Allele origin: germline. Affected: yes.
Comment: This variant is considered likely benign or benign based on one or more of the following criteria: it is a conservative change, it occurs at a poorly conserved position in the protein, it is predicted to be benign by multiple in silico algorithms, and/or has population frequency not consistent with disease.